The following is an entry in ClinVar:

NM_004174.4(SLC9A3):c.2223C>G (p.Thr741=)

Genes: SLC9A3 (solute carrier family 9 member A3), SLC9A3-AS1 (SLC9A3 antisense RNA 1; plus strand). Cytogenetic location: 5p15.33.
Variant type: single nucleotide variant.
Coding change: c.2223C>G on transcript NM_004174.4 (MANE Select); coding-DNA position 2223, C replaced by G.
Protein change: p.Thr741=; no amino-acid change (threonine 741 retained).
Molecular consequence: synonymous variant.
Genome position (GRCh38, 1-based): chr5:475,589, G>C on the plus strand (C>G on the coding strand, the complement: SLC9A3 is on the minus strand). VCF-style: chr5-475589-G-C. GRCh37 (hg19) VCF-style: chr5-475704-G-C.
Other names: c.2196C>G, p.Thr732= (NM_001284351.3); c.2223C>G (NM_004174.3).
Identifiers: ClinVar variation 1546948 (VCV001546948.10), dbSNP rs142689247, ClinGen allele CA3175529.
Genomic context (GRCh38, chr5:475,589, plus strand): 5'-CCTTAGCCACGACGCCTGTGCCCCGTCCCCACCTGCAGGGGAGTCGGACGCTGTGTCCTT[G>C]GTGACACTAGCCAGGAACTCGATCCCCCCACTCATCTCCTCATCATAGTTGGGGGGCTCC-3'
Protein context (NP_004165.2, residues 731-751): SGGIEFLASV[Thr741=]KDTASDSPAG

ClinVar aggregate classification (germline): Likely benign. Review status: criteria provided, single submitter (1 of 4 stars). 2 submissions from 2 submitters: Likely benign (1). 1 of the submissions does not count toward it. Last evaluated 2025-01-13.

Conditions:
SLC9A3-related disorder. Also called: SLC9A3-related condition.

Allele frequency attached by ClinVar (database versions not stated): ESP Exome Variant Server 0.00016.
gnomAD v4.1: 70 of 1,551,148 alleles (0.0045%); highest among the groups gnomAD compares: African/African-American, 0.096%; no homozygotes.

Submissions (2):

Labcorp Genetics (formerly Invitae), Labcorp
Classification: Likely benign. Last evaluated: 2025-01-13. Review status: criteria provided, single submitter. Criteria: Invitae Variant Classification Sherloc (09022015). Collection method: clinical testing. Allele origin: germline.

PreventionGenetics, part of Exact Sciences
Classification: Likely benign for SLC9A3-related condition. Last evaluated: 2019-05-20. Review status: no assertion criteria provided. Collection method: clinical testing. Allele origin: germline. Not counted in ClinVar's aggregate classification.
Comment: This variant is classified as likely benign based on ACMG/AMP sequence variant interpretation guidelines (Richards et al. 2015 PMID: 25741868, with internal and published modifications).